The following is an entry in ClinVar:

NM_000051.4(ATM):c.6020A>C (p.Glu2007Ala)

Genes: C11orf65 (chromosome 11 open reading frame 65; minus strand), ATM (ATM serine/threonine kinase; plus strand). Cytogenetic location: 11q22.3.
Variant type: single nucleotide variant.
Coding change: c.6020A>C on transcript NM_000051.4 (MANE Select); coding-DNA position 6020, A replaced by C.
Protein change: p.Glu2007Ala; replaces glutamic acid 2007 with alanine.
Molecular consequence: missense variant. On other transcripts: intron variant (2).
Genome position (GRCh38, 1-based): chr11:108,315,836, A>C. VCF-style: chr11-108315836-A-C. GRCh37 (hg19) VCF-style: chr11-108186563-A-C.
Other names: c.6020A>C, p.Glu2007Ala (NM_001351834.2); c.641-6765T>G (NM_001330368.2); c.*39-6765T>G (NM_001351110.2); short protein forms E2007A.
Identifiers: ClinVar variation 482536 (VCV000482536.17), dbSNP rs762001297, ClinGen allele CA6265838.

ClinVar aggregate classification (germline): Uncertain significance. Review status: criteria provided, multiple submitters, no conflicts (2 of 4 stars). 4 submissions from 4 submitters: Uncertain significance (4). Last evaluated 2025-09-10.

Conditions:
Familial cancer of breast. Also called: Hereditary breast cancer; BREAST CANCER, FAMILIAL; hereditary breast carcinoma. Identifiers: Orphanet 227535, MedGen C0346153, MONDO:0016419, OMIM 114480. Disease mechanism: loss of function.
Ataxia-telangiectasia syndrome (AT). Also called: LOUIS-BAR SYNDROME; Cerebello-oculocutaneous telangiectasia; Immunodeficiency with ataxia telangiectasia; Ataxia-telangiectasia, complementation group D; AT, COMPLEMENTATION GROUP C; Ataxia-telangiectasia, complementation group E. Identifiers: Orphanet 100, MedGen C0004135, MONDO:0008840, OMIM 208900.
Hereditary cancer-predisposing syndrome. Also called: Neoplastic Syndromes, Hereditary; Hereditary Cancer Syndrome; Tumor predisposition; Hereditary neoplastic syndrome. Identifiers: Orphanet 140162, MedGen C0027672, MeSH D009386, MONDO:0015356.

Allele frequency attached by ClinVar (database versions not stated): TOPMed 0.00001; gnomAD 0.00001.
gnomAD v4.1: 3 of 1,612,044 alleles (0.00019%); highest among the groups gnomAD compares: African/African-American, 0.004%; no homozygotes.

Submissions (4):

Ambry Genetics
Classification: Uncertain significance for Hereditary cancer-predisposing syndrome. Last evaluated: 2025-09-10. Review status: criteria provided, single submitter. Criteria: Ambry Variant Classification Scheme 2023. Collection method: clinical testing. Allele origin: germline.
Comment: The p.E2007A variant (also known as c.6020A>C), located in coding exon 40 of the ATM gene, results from an A to C substitution at nucleotide position 6020. The glutamic acid at codon 2007 is replaced by alanine, an amino acid with dissimilar properties. This amino acid position is well conserved in available vertebrate species. In addition, this alteration is predicted to be tolerated by in silico analysis. Since supporting evidence is limited at this time, the clinical significance of this alteration remains unclear.

Labcorp Genetics (formerly Invitae), Labcorp
Classification: Uncertain significance for Ataxia-telangiectasia syndrome. Last evaluated: 2025-08-10. Review status: criteria provided, single submitter. Criteria: Invitae Variant Classification Sherloc (09022015). Collection method: clinical testing. Allele origin: germline.
Comment: This sequence change replaces glutamic acid, which is acidic and polar, with alanine, which is neutral and non-polar, at codon 2007 of the ATM protein (p.Glu2007Ala). This variant is present in population databases (rs762001297, gnomAD 0.007%). This variant has not been reported in the literature in individuals affected with ATM-related conditions. ClinVar contains an entry for this variant (Variation ID: 482536). Invitae Evidence Modeling of protein sequence and biophysical properties (such as structural, functional, and spatial information, amino acid conservation, physicochemical variation, residue mobility, and thermodynamic stability) indicates that this missense variant is not expected to disrupt ATM protein function with a negative predictive value of 95%. In summary, the available evidence is currently insufficient to determine the role of this variant in disease. Therefore, it has been classified as a Variant of Uncertain Significance.

Fulgent Genetics
Classification: Uncertain significance for Familial cancer of breast; Ataxia-telangiectasia syndrome. Last evaluated: 2024-04-21. Review status: criteria provided, single submitter. Criteria: ACMG Guidelines, 2015. Collection method: clinical testing. Allele origin: germline.

Color Diagnostics, LLC DBA Color Health
Classification: Uncertain significance for Hereditary cancer-predisposing syndrome. Last evaluated: 2022-05-05. Review status: criteria provided, single submitter. Criteria: ACMG Guidelines, 2015. Collection method: clinical testing. Allele origin: germline.
Comment: This missense variant replaces glutamic acid with alanine at codon 2007 of the ATM protein. Computational prediction suggests that this variant may not impact protein structure and function (internally defined REVEL score threshold <= 0.5, PMID: 27666373). To our knowledge, functional studies have not been reported for this variant. This variant has not been reported in individuals affected with hereditary cancer in the literature. This variant has been identified in 1/251264 chromosomes in the general population by the Genome Aggregation Database (gnomAD). The available evidence is insufficient to determine the role of this variant in disease conclusively. Therefore, this variant is classified as a Variant of Uncertain Significance.